The following is an entry in ClinVar:

NM_016507.4(CDK12):c.3571T>C (p.Ser1191Pro)

Gene: CDK12 (cyclin dependent kinase 12; plus strand). Cytogenetic location: 17q12.
Variant type: single nucleotide variant.
Coding change: c.3571T>C on transcript NM_016507.4 (MANE Select); coding-DNA position 3571, T replaced by C.
Protein change: p.Ser1191Pro; replaces serine 1191 with proline.
Molecular consequence: missense variant.
Genome position (GRCh38, 1-based): chr17:39,526,127, T>C. VCF-style: chr17-39526127-T-C. GRCh37 (hg19) VCF-style: chr17-37682380-T-C.
Other names: c.3571T>C, p.Ser1191Pro (NM_015083.4); short protein forms S1191P.
Identifiers: ClinVar variation 3830538 (VCV003830538.1).
Genomic context (GRCh38, chr17:39,526,127, plus strand): 5'-GAGACCATGGCCCCAGAGGAGTCTTTGAAGGAAGCACCCTCTGCCCCAGTGATCCTGCCT[T>C]CAGCAGAACAGACGACCCTTGAAGCTTCAAGCACACCAGCTGACATGCAGAATATATTGG-3'
Protein context (NP_057591.2, residues 1181-1201): EAPSAPVILP[Ser1191Pro]AEQTTLEASS

ClinVar aggregate classification (germline): Uncertain significance (1 of 4 stars; one submission).

Submission:

Ambry Genetics
Classification: Uncertain significance. Last evaluated: 2025-01-19. Review status: criteria provided, single submitter. Criteria: Ambry Variant Classification Scheme 2023. Collection method: clinical testing. Allele origin: germline.
Comment: The p.S1191P variant (also known as c.3571T>C), located in coding exon 13 of the CDK12 gene, results from a T to C substitution at nucleotide position 3571. The serine at codon 1191 is replaced by proline, an amino acid with similar properties. This amino acid position is conserved. In addition, this alteration is predicted to be tolerated by in silico analysis. Based on the available evidence, the clinical significance of this variant remains unclear.